The following is an entry in ClinVar:

ClinVar aggregate classification (germline): Pathogenic (1 of 4 stars; one submission).

Conditions:
Gaucher disease. Also called: Acute cerebral Gaucher disease; Cerebroside lipidosis syndrome; Gaucher splenomegaly; Sphingolipidosis 1; Glucocerebrosidosis; Glucosylceramidase deficiency. Identifiers: Orphanet 355, MedGen C0017205, MONDO:0018150.

Submission:

Natera, Inc.
Classification: Pathogenic for Gaucher disease. Last evaluated: 2025-09-01. Review status: criteria provided, single submitter. Criteria: Natera Variant Classification Schema (03/2026). Collection method: clinical testing. Allele origin: germline.
Comment: The c.115+2T>G variant in GBA1 is a canonical splice donor site variant predicted to affect pre-mRNA splicing, which may result in an abnormal transcript and altered protein product. This variant is expected to result in nonsense mediated decay, truncation, or a dysfunctional protein product. This variant is rare in the general population with a frequency below the threshold expected for the associated phenotype(s). Another variant at this same site results in an alteration predicted to cause a similar molecular effect has been observed in individual(s) with the associated phenotype. Given the available evidence, this variant is classified as Pathogenic.

NM_000157.4(GBA1):c.115+2T>G

Gene: GBA1 (glucosylceramidase beta 1; minus strand). Cytogenetic location: 1q22.
Variant type: single nucleotide variant.
Coding change: c.115+2T>G on transcript NM_000157.4 (MANE Select); the canonical splice donor site of the intron after coding-DNA position 115, T replaced by G.
Molecular consequence: splice donor variant. On other transcripts: intron variant (1).
Genome position (GRCh38, 1-based): chr1:155,240,628, A>C on the plus strand (T>G on the coding strand, the complement: GBA1 is on the minus strand). VCF-style: chr1-155240628-A-C. GRCh37 (hg19) VCF-style: chr1-155210419-A-C.
Other names: c.-146-551T>G (NM_001171811.2); c.115+2T>G (NM_001005742.3, NM_001005741.3, NM_001171812.2).
Identifiers: ClinVar variation 4817680 (VCV004817680.1).
Genomic context (GRCh38, chr1:155,240,628, plus strand): 5'-CAAAGGACTATGAGGCAGAAGGGAGGCTCTGTGCTACCTCCCCACTGCCTTGACTCACTC[A>C]CCTGATGCCCACGACACTGCCTGAAGTAGAAGCAATCCTGTGAGGCTGCCAGCCATGATG-3'